The following is an entry in ClinVar:

ClinVar aggregate classification (germline): Uncertain significance (1 of 4 stars; one submission).

gnomAD v4.1: 1 of 1,612,448 alleles (0.000062%); highest among the groups gnomAD compares: African/African-American, 0.0013%; no homozygotes.

Submission:

GeneDx
Classification: Uncertain significance. Last evaluated: 2026-03-21. Review status: criteria provided, single submitter. Criteria: GeneDx Variant Classification Process June 2021. Collection method: clinical testing. Allele origin: germline.
Comment: In silico analysis suggests that this missense variant does not alter protein structure/function; Has not been previously published as pathogenic or benign to our knowledge

NM_139318.5(KCNH5):c.232A>G (p.Ile78Val)

Gene: KCNH5 (potassium voltage-gated channel subfamily H member 5; minus strand). Cytogenetic location: 14q23.2.
Variant type: single nucleotide variant.
Coding change: c.232A>G on transcript NM_139318.5 (MANE Select); coding-DNA position 232, A replaced by G.
Protein change: p.Ile78Val; replaces isoleucine 78 with valine.
Molecular consequence: missense variant.
Genome position (GRCh38, 1-based): chr14:63,006,438, T>C on the plus strand (A>G on the coding strand, the complement: KCNH5 is on the minus strand). VCF-style: chr14-63006438-T-C. GRCh37 (hg19) VCF-style: chr14-63473156-T-C.
Other names: c.232A>G, p.Ile78Val (NM_172375.3); short protein forms I78V.
Identifiers: ClinVar variation 5009551 (VCV005009551.1).